The following is an entry in ClinVar:

ClinVar aggregate classification (germline): Uncertain significance. Review status: criteria provided, multiple submitters, no conflicts (2 of 4 stars). 2 submissions from 2 submitters: Uncertain significance (2). Last evaluated 2024-07-29.

Conditions:
Multiple endocrine neoplasia, type 2 (MEN2). Identifiers: Orphanet 653, MedGen C4048306, MONDO:0019003. Disease mechanism: gain of function.

Submissions (2):

All of Us Research Program, National Institutes of Health
Classification: Uncertain significance for Multiple endocrine neoplasia, type 2. Last evaluated: 2024-07-29. Review status: criteria provided, single submitter. Criteria: ACMG Guidelines, 2015. Collection method: clinical testing. Allele origin: germline. Inheritance: Autosomal dominant inheritance. Observed: 1 variant allele, 1 heterozygote.
Comment: This missense variant replaces asparagine with serine at codon 834 of the RET protein. Computational prediction suggests that this variant may not impact protein structure and function. To our knowledge, functional studies have not been reported for this variant. This variant has not been reported in individuals affected with RET-related disorders in the literature. This variant has not been identified in the general population by the Genome Aggregation Database (gnomAD). The available evidence is insufficient to determine the role of this variant in disease conclusively. Therefore, this variant is classified as a Variant of Uncertain Significance.

This study involves interpretation of variants in research participants for the purpose of population health screening. Participant phenotype was not available at the time of variant classification. Additional details can be found in publication PMID: 35346344, PMCID: PMC8962531

Labcorp Genetics (formerly Invitae), Labcorp
Classification: Uncertain significance for Multiple endocrine neoplasia, type 2. Last evaluated: 2022-10-31. Review status: criteria provided, single submitter. Criteria: Invitae Variant Classification Sherloc (09022015). Collection method: clinical testing. Allele origin: germline.
Comment: This sequence change replaces asparagine, which is neutral and polar, with serine, which is neutral and polar, at codon 834 of the RET protein (p.Asn834Ser). In summary, the available evidence is currently insufficient to determine the role of this variant in disease. Therefore, it has been classified as a Variant of Uncertain Significance. Algorithms developed to predict the effect of missense changes on protein structure and function output the following: SIFT: "Tolerated"; PolyPhen-2: "Benign"; Align-GVGD: "Class C0". The serine amino acid residue is found in multiple mammalian species, which suggests that this missense change does not adversely affect protein function. ClinVar contains an entry for this variant (Variation ID: 1368286). This variant has not been reported in the literature in individuals affected with RET-related conditions. This variant is not present in population databases (gnomAD no frequency).

NM_020975.6(RET):c.2501A>G (p.Asn834Ser)

Gene: RET (ret proto-oncogene; plus strand). Cytogenetic location: 10q11.21.
Variant type: single nucleotide variant.
Coding change: c.2501A>G on transcript NM_020975.6 (MANE Select); coding-DNA position 2501, A replaced by G.
Protein change: p.Asn834Ser; replaces asparagine 834 with serine.
Molecular consequence: missense variant.
Genome position (GRCh38, 1-based): chr10:43,119,639, A>G. VCF-style: chr10-43119639-A-G. GRCh37 (hg19) VCF-style: chr10-43615087-A-G.
Other names: c.2501A>G, p.Asn834Ser (NM_000323.2, NM_001406743.1, NM_001406744.1 and 4 more transcripts); c.1739A>G, p.Asn580Ser (NM_001355216.2); c.2372A>G, p.Asn791Ser (NM_001406761.1, NM_001406762.1, NM_001406764.1); c.2366A>G, p.Asn789Ser (NM_001406763.1, NM_001406765.1); c.2213A>G, p.Asn738Ser (NM_001406766.1, NM_001406767.1, NM_001406770.1); c.2237A>G, p.Asn746Ser (NM_001406768.1); c.2105A>G, p.Asn702Ser (NM_001406769.1, NM_001406772.1); c.2063A>G, p.Asn688Ser (NM_001406771.1, NM_001406773.1); and 10 more; short protein forms N580S, N834S, N535S, N659S, N789S, N399S, N504S, N738S.
Identifiers: ClinVar variation 1368286 (VCV001368286.10), dbSNP rs147433153, ClinGen allele CA376556395.